The following is an entry in ClinVar:

NM_001292034.3(TAB2):c.1105dup (p.Ile369fs)

Genes: TAB2 (TGF-beta activated kinase 1 (MAP3K7) binding protein 2; plus strand), LOC126859827 (BRD4-independent group 4 enhancer GRCh37_chr6:149699707-149700906; plus strand). Cytogenetic location: 6q25.1.
Variant type: Duplication.
Coding change: c.1105dup on transcript NM_001292034.3 (MANE Select); coding-DNA position 1105, one base duplicated (A; older notation c.1105dupA).
Protein change: p.Ile369fs; shifts the reading frame from isoleucine 369.
Molecular consequence: frameshift variant.
Genome position (GRCh38, 1-based): chr6:149,379,020, A duplicated. VCF-style (leftmost placement, unchanged base first): chr6-149379019-C-CA. GRCh37 (hg19) VCF-style: chr6-149700155-C-CA.
Other names: c.1009dup, p.Ile337fs (NM_001292035.3); c.1105dup, p.Ile369fs (NM_001369506.1, NM_015093.6); short protein forms I337fs, I369fs.
Identifiers: ClinVar variation 2506347 (VCV002506347.1), dbSNP rs2483393160, ClinGen allele CA2580615792.
Genomic context (GRCh38, chr6:149,379,019, plus strand): 5'-CTCCAGCACTTCCTCTTCAGTCAATAGCCAGACCTTAAACAGAAATCAGCCCACTGTTTA[C>CA]ATAGCTGCCAGCCCCCCAAATACGGATGAGCTGATGTCCCGTAGTCAACCTAAGGTCTAT-3'

ClinVar aggregate classification (germline): Pathogenic (1 of 4 stars; one submission).

Conditions:
Congenital heart defects, multiple types, 2 (CHTD2). Also called: Congenital heart defects, nonsyndromic, 2. Identifiers: Orphanet 664401, MedGen C3554279, MONDO:0014000, OMIM 614980.

Submission:

Women's Health and Genetics/Laboratory Corporation of America, LabCorp
Classification: Pathogenic for Congenital heart defects, multiple types, 2. Last evaluated: 2023-05-10. Review status: criteria provided, single submitter. Criteria: LabCorp Variant Classification Summary - May 2015. Collection method: clinical testing. Allele origin: germline.
Comment: Variant summary: TAB2 c.1105dupA (p.Ile369AsnfsX10) results in a premature termination codon, predicted to cause a truncation of the encoded protein or absence of the protein due to nonsense mediated decay, which are commonly known mechanisms for disease. The variant was absent in 251468 control chromosomes. To our knowledge, no occurrence of c.1105dupA in individuals affected with Congenital Heart Defects, Multiple Types, 2 and no experimental evidence demonstrating its impact on protein function have been reported. No clinical diagnostic laboratories have submitted clinical-significance assessments for this variant to ClinVar after 2014. Based on the evidence outlined above, the variant was classified as pathogenic.